The following is an entry in ClinVar:

NM_015285.3(WDR7):c.4014A>G (p.Gly1338=)

Gene: WDR7 (WD repeat domain 7; plus strand). Cytogenetic location: 18q21.31.
Variant type: single nucleotide variant.
Coding change: c.4014A>G on transcript NM_015285.3 (MANE Select); coding-DNA position 4014, A replaced by G.
Protein change: p.Gly1338=; no amino-acid change (glycine 1338 retained).
Molecular consequence: synonymous variant.
Genome position (GRCh38, 1-based): chr18:56,939,343, A>G. VCF-style: chr18-56939343-A-G. GRCh37 (hg19) VCF-style: chr18-54606574-A-G.
Other names: c.3915A>G, p.Gly1305= (NM_001382485.1, NM_052834.3); c.4014A>G, p.Gly1338= (NM_001382487.1).
Identifiers: ClinVar variation 2648743 (VCV002648743.24), dbSNP rs139596592, ClinGen allele CA8972035.
Genomic context (GRCh38, chr18:56,939,343, plus strand): 5'-ATTTTAAATCTGTTCTTTTCTGTCAAAGGTTATGGACATCATTATGTACTGCCTTGAAGG[A>G]TCTTTAGTTAAAAAGAAAGGTCTTCAAGAATGTTTCCCAGCCATCTGCAGGTAAAGAAGC-3'
Protein context (NP_056100.2, residues 1328-1348): VMDIIMYCLE[Gly1338=]SLVKKKGLQE

ClinVar aggregate classification (germline): Likely benign (1 of 4 stars; one submission).

Allele frequency attached by ClinVar (database versions not stated): 1000 Genomes Project 30x 0.00031; 1000 Genomes Project 0.00040; gnomAD exomes 0.00206; ESP Exome Variant Server 0.00285.
gnomAD v4.1: 3,307 of 1,586,892 alleles (0.21%); highest among the groups gnomAD compares: Middle Eastern, 3.6%; 19 homozygotes.

Submission:

CeGaT Center for Human Genetics Tuebingen
Classification: Likely benign. Last evaluated: 2023-02-01. Review status: criteria provided, single submitter. Criteria: CeGaT Center For Human Genetics Tuebingen Variant Classification Criteria Version 2. Collection method: clinical testing. Allele origin: germline. Affected: yes. Observed: 1 variant allele.
Comment: WDR7: BP4, BP7, BS2